The following is an entry in ClinVar:

ClinVar aggregate classification (germline): Uncertain significance (1 of 4 stars; one submission).

Submission:

GeneDx
Classification: Uncertain significance. Last evaluated: 2023-06-14. Review status: criteria provided, single submitter. Criteria: GeneDx Variant Classification Process June 2021. Collection method: clinical testing. Allele origin: germline. Affected: yes.
Comment: Has not been previously published as pathogenic or benign to our knowledge; Not observed at significant frequency in large population cohorts (gnomAD); In silico analysis supports that this missense variant does not alter protein structure/function

NM_000545.8(HNF1A):c.1883C>G (p.Ser628Cys)

Genes: C12orf43 (chromosome 12 open reading frame 43; minus strand), HNF1A (HNF1 homeobox A; plus strand). Cytogenetic location: 12q24.31.
Variant type: single nucleotide variant.
Coding change: c.1883C>G on transcript NM_000545.8 (MANE Select); coding-DNA position 1883, C replaced by G.
Protein change: p.Ser628Cys; replaces serine 628 with cysteine.
Molecular consequence: missense variant. On other transcripts: 3 prime UTR variant (3).
Genome position (GRCh38, 1-based): chr12:121,001,179, C>G. VCF-style: chr12-121001179-C-G. GRCh37 (hg19) VCF-style: chr12-121438982-C-G.
Other names: c.*2974G>C (NM_001286191.2, NM_001286196.2, NM_022895.3); c.1904C>G, p.Ser635Cys (NM_001306179.2); c.1691C>G, p.Ser564Cys (NM_001406915.1); short protein forms S564C, S628C, S635C.
Identifiers: ClinVar variation 3359780 (VCV003359780.1).